The following is an entry in ClinVar:

ClinVar aggregate classification (germline): Likely pathogenic (1 of 4 stars; one submission).

Conditions:
Autosomal recessive polycystic kidney disease (ARPKD). Also called: AR polycystic kidney disease. Identifiers: Orphanet 731, Orphanet 8378, MedGen C0085548, MeSH D017044, MONDO:0009889.

gnomAD v4.1: 1 of 1,614,016 alleles (0.000062%); highest among the groups gnomAD compares: Non-Finnish European, 0.000085%; no homozygotes.

Submission:

Natera, Inc.
Classification: Likely pathogenic for Autosomal recessive polycystic kidney disease. Last evaluated: 2024-05-29. Review status: criteria provided, single submitter. Criteria: Natera Variant Classification Schema (03/2026). Collection method: clinical testing. Allele origin: germline.
Comment: The c.2407+1G>T variant in PKHD1 is a canonical splice donor site variant predicted to affect pre-mRNA splicing, which may result in an abnormal transcript and altered protein product. This variant is expected to result in nonsense mediated decay, truncation, or a dysfunctional protein product. This variant is rare in the general population with a frequency below the threshold expected for the associated phenotype(s). Given the available evidence, this variant is classified as Likely Pathogenic.

NM_138694.4(PKHD1):c.2407+1G>T

Gene: PKHD1 (PKHD1 ciliary IPT domain containing fibrocystin/polyductin; minus strand). Cytogenetic location: 6p12.2.
Variant type: single nucleotide variant.
Coding change: c.2407+1G>T on transcript NM_138694.4 (MANE Select); the canonical splice donor site of the intron after coding-DNA position 2407, G replaced by T.
Molecular consequence: splice donor variant.
Genome position (GRCh38, 1-based): chr6:52,048,491, C>A on the plus strand (G>T on the coding strand, the complement: PKHD1 is on the minus strand). VCF-style: chr6-52048491-C-A. GRCh37 (hg19) VCF-style: chr6-51913289-C-A.
Other names: c.2407+1G>T (NM_170724.3).
Identifiers: ClinVar variation 4816605 (VCV004816605.1).